The following is an entry in ClinVar:

NM_001148.6(ANK2):c.10992T>C (p.Tyr3664=)

Gene: ANK2 (ankyrin 2; plus strand). Cytogenetic location: 4q26.
Variant type: single nucleotide variant.
Coding change: c.10992T>C on transcript NM_001148.6 (MANE Select); coding-DNA position 10992, T replaced by C.
Protein change: p.Tyr3664=; no amino-acid change (tyrosine 3664 retained).
Molecular consequence: synonymous variant.
Genome position (GRCh38, 1-based): chr4:113,365,142, T>C. VCF-style: chr4-113365142-T-C. GRCh37 (hg19) VCF-style: chr4-114286298-T-C.
Other names: c.4710T>C, p.Tyr1570= (NM_001127493.3); c.4749T>C, p.Tyr1583= (NM_001354225.2); c.4638T>C, p.Tyr1546= (NM_001354228.2, NM_001354258.2); c.4716T>C, p.Tyr1572= (NM_001354230.2); c.4779T>C, p.Tyr1593= (NM_001354231.2, NM_001354242.2); c.4773T>C, p.Tyr1591= (NM_001354232.2); c.4734T>C, p.Tyr1578= (NM_001354235.2, NM_001354246.2, NM_001354265.2); c.4635T>C, p.Tyr1545= (NM_001354236.2); and 35 more.
Identifiers: ClinVar variation 516216 (VCV000516216.5), dbSNP rs749476928, ClinGen allele CA3052176.
Genomic context (GRCh38, chr4:113,365,142, plus strand): 5'-TATTGTTCATCTCATGGAGACCAACACAGAACCTCTCCAGGAGCGCATCAGTCATAGTTA[T>C]GCAGAAATTGAACAGACCATTACACTGGATCATAGTGAAGGTCAAACTGTGTGTGTGTAT-3'
Protein context (NP_001139.3, residues 3654-3674): EPLQERISHS[Tyr3664=]AEIEQTITLD

ClinVar aggregate classification (germline): Likely benign. Review status: criteria provided, multiple submitters, no conflicts (2 of 4 stars). 3 submissions from 3 submitters: Likely benign (3). Last evaluated 2024-04-28.

Conditions:
Long QT syndrome (LQTS). Identifiers: MedGen C0023976, MeSH D008133, MONDO:0002442. Disease mechanism: loss of function. Inheritance: Various modes of inheritance.
Cardiovascular phenotype. Identifiers: MedGen CN230736.

Allele frequency attached by ClinVar (database versions not stated): gnomAD 0.00001; TOPMed 0.00002; gnomAD exomes 0.00003 and 0.00005; ExAC 0.00005.
gnomAD v4.1: 41 of 1,614,002 alleles (0.0025%); highest among the groups gnomAD compares: East Asian, 0.033%; no homozygotes.

Submissions (3):

Ambry Genetics
Classification: Likely benign for Cardiovascular phenotype. Last evaluated: 2024-04-28. Review status: criteria provided, single submitter. Criteria: Ambry Variant Classification Scheme 2023. Collection method: clinical testing. Allele origin: germline.

Labcorp Genetics (formerly Invitae), Labcorp
Classification: Likely benign for Long QT syndrome. Last evaluated: 2023-05-22. Review status: criteria provided, single submitter. Criteria: Invitae Variant Classification Sherloc (09022015). Collection method: clinical testing. Allele origin: germline.

GeneDx
Classification: Likely benign. Last evaluated: 2017-05-03. Review status: criteria provided, single submitter. Criteria: GeneDx Variant Classification (06012015). Collection method: clinical testing. Allele origin: germline. Affected: yes.
Comment: This variant is considered likely benign or benign based on one or more of the following criteria: it is a conservative change, it occurs at a poorly conserved position in the protein, it is predicted to be benign by multiple in silico algorithms, and/or has population frequency not consistent with disease.